The following is an entry in ClinVar:

NM_000520.6(HEXA):c.346+5G>A

Gene: HEXA (hexosaminidase subunit alpha; minus strand). Cytogenetic location: 15q23.
Variant type: single nucleotide variant.
Coding change: c.346+5G>A on transcript NM_000520.6 (MANE Select); 5 bases into the intron after coding-DNA position 346, G replaced by A.
Molecular consequence: intron variant.
Genome position (GRCh38, 1-based): chr15:72,356,520, C>T on the plus strand (G>A on the coding strand, the complement: HEXA is on the minus strand). VCF-style: chr15-72356520-C-T. GRCh37 (hg19) VCF-style: chr15-72648861-C-T.
Other names: c.379+5G>A (NM_001318825.2).
Identifiers: ClinVar variation 957455 (VCV000957455.7), dbSNP rs1414011185, ClinGen allele CA618767590.

ClinVar aggregate classification (germline): Uncertain significance (1 of 4 stars; one submission).

Conditions:
Tay-Sachs disease (TSD). Also called: Hexosaminidase A Deficiency; HEXA Disorders; GM2 gangliosidosis, type 1; Hexosaminidase alpha-subunit deficiency (variant B); Sphingolipidosis, Tay-Sachs; HEXA DEFICIENCY. Identifiers: Orphanet 845, MedGen C0039373, MONDO:0010100, OMIM 272800.

Allele frequency attached by ClinVar (database versions not stated): gnomAD exomes below 0.00001.
gnomAD v4.1: 2 of 1,613,988 alleles (0.00012%); highest among the groups gnomAD compares: Admixed American, 0.0017%; no homozygotes.

Submission:

Labcorp Genetics (formerly Invitae), Labcorp
Classification: Uncertain significance for Tay-Sachs disease. Last evaluated: 2021-05-09. Review status: criteria provided, single submitter. Criteria: Invitae Variant Classification Sherloc (09022015). Collection method: clinical testing. Allele origin: germline.
Comment: Nucleotide substitutions within the consensus splice site are a relatively common cause of aberrant splicing (PMID: 17576681, 9536098). Algorithms developed to predict the effect of sequence changes on RNA splicing suggest that this variant may disrupt the consensus splice site, but this prediction has not been confirmed by published transcriptional studies. In summary, the available evidence is currently insufficient to determine the role of this variant in disease. Therefore, it has been classified as a Variant of Uncertain Significance. This variant has not been reported in the literature in individuals with HEXA-related conditions. This variant is not present in population databases (ExAC no frequency). This sequence change falls in intron 2 of the HEXA gene. It does not directly change the encoded amino acid sequence of the HEXA protein, but it affects a nucleotide within the consensus splice site of the intron.

Literature cited by the submitters: PubMed 17576681; PubMed 9536098.